The following is an entry in ClinVar:

NM_000454.5(SOD1):c.68A>C (p.Gln23Pro)

Genes: SOD1 (superoxide dismutase 1; plus strand), SOD1-DT (SOD1 divergent transcript; minus strand). Cytogenetic location: 21q22.11.
Variant type: single nucleotide variant.
Coding change: c.68A>C on transcript NM_000454.5 (MANE Select); coding-DNA position 68, A replaced by C.
Protein change: p.Gln23Pro; replaces glutamine 23 with proline.
Molecular consequence: missense variant. On other transcripts: non-coding transcript variant (1).
Genome position (GRCh38, 1-based): chr21:31,659,837, A>C. VCF-style: chr21-31659837-A-C. GRCh37 (hg19) VCF-style: chr21-33032150-A-C.
Other names: short protein forms Q23P.
Identifiers: ClinVar variation 2866770 (VCV002866770.3), dbSNP rs1169198442, ClinGen allele CA410036097.

ClinVar aggregate classification (germline): Likely pathogenic (1 of 4 stars; one submission).

Conditions:
Amyotrophic lateral sclerosis type 1 (ALS1). Also called: AMYOTROPHIC LATERAL SCLEROSIS 1, FAMILIAL. Identifiers: Orphanet 803, MedGen C1862939, MONDO:0007103, OMIM 105400.

Submission:

Labcorp Genetics (formerly Invitae), Labcorp
Classification: Likely pathogenic for Amyotrophic lateral sclerosis type 1. Last evaluated: 2023-05-22. Review status: criteria provided, single submitter. Criteria: Invitae Variant Classification Sherloc (09022015). Collection method: clinical testing. Allele origin: germline.
Comment: This missense change has been observed in individual(s) with clinical features of autosomal dominant SOD1-related conditions (Invitae). In summary, the currently available evidence indicates that the variant is pathogenic, but additional data are needed to prove that conclusively. Therefore, this variant has been classified as Likely Pathogenic. This variant disrupts the p.Gln23 amino acid residue in SOD1. Other variant(s) that disrupt this residue have been determined to be pathogenic (PMID: 19000626, 21603025, 23280792, 32951934). This suggests that this residue is clinically significant, and that variants that disrupt this residue are likely to be disease-causing. Advanced modeling of protein sequence and biophysical properties (such as structural, functional, and spatial information, amino acid conservation, physicochemical variation, residue mobility, and thermodynamic stability) performed at Invitae indicates that this missense variant is expected to disrupt SOD1 protein function. This variant is not present in population databases (gnomAD no frequency). This sequence change replaces glutamine, which is neutral and polar, with proline, which is neutral and non-polar, at codon 23 of the SOD1 protein (p.Gln23Pro).

Literature cited by the submitters: PubMed 19000626; PubMed 21603025; PubMed 23280792; PubMed 32951934.